The following is an entry in ClinVar:

ClinVar aggregate classification (germline): Uncertain significance (1 of 4 stars; one submission).

Conditions:
Autosomal dominant nocturnal frontal lobe epilepsy 5. Also called: Epilepsy, nocturnal frontal lobe, 5; KCNT1-Related Epilepsy; CILIARY DYSKINESIA, PRIMARY, 28, WITHOUT SITUS INVERSUS; CILIARY DYSKINESIA, PRIMARY, 28, WITH SITUS INVERSUS. Identifiers: Orphanet 98784, MedGen C3554306, MONDO:0014002, OMIM 615005.
Developmental and epileptic encephalopathy, 14 (DEE14). Also called: Early infantile epileptic encephalopathy 14. Identifiers: Orphanet 293181, MedGen C3554195, MONDO:0013989, OMIM 614959.

Allele frequency attached by ClinVar (database versions not stated): gnomAD 0.00001; TOPMed 0.00002.

Submission:

Labcorp Genetics (formerly Invitae), Labcorp
Classification: Uncertain significance for Autosomal dominant nocturnal frontal lobe epilepsy 5; Developmental and epileptic encephalopathy, 14. Last evaluated: 2025-04-21. Review status: criteria provided, single submitter. Criteria: Invitae Variant Classification Sherloc (09022015). Collection method: clinical testing. Allele origin: germline.
Comment: This variant, c.82_84del, results in the deletion of 1 amino acid(s) of the KCNT1 protein (p.Glu28del), but otherwise preserves the integrity of the reading frame. This variant is not present in population databases (gnomAD no frequency). This variant has not been reported in the literature in individuals affected with KCNT1-related conditions. ClinVar contains an entry for this variant (Variation ID: 2951684). Experimental studies and prediction algorithms are not available or were not evaluated, and the functional significance of this variant is currently unknown. In summary, the available evidence is currently insufficient to determine the role of this variant in disease. Therefore, it has been classified as a Variant of Uncertain Significance.

NM_020822.3(KCNT1):c.82_84del (p.Glu28del)

Gene: KCNT1 (potassium sodium-activated channel subfamily T member 1; plus strand). Cytogenetic location: 9q34.3.
Variant type: Deletion.
Coding change: c.82_84del on transcript NM_020822.3 (MANE Select); coding-DNA positions 82 to 84, 3 bases deleted (GAG; older notation c.82_84delGAG).
Protein change: p.Glu28del; deletes glutamic acid 28.
Molecular consequence: inframe deletion.
Genome position (GRCh38, 1-based): chr9:135,702,340-135,702,342, GAG deleted. VCF-style (leftmost placement, unchanged base first): chr9-135702339-CGAG-C. GRCh37 (hg19) VCF-style: chr9-138594185-CGAG-C.
Other names: c.82_84del, p.Glu28del (NM_001272003.2); short protein forms E28del.
Identifiers: ClinVar variation 2951684 (VCV002951684.3), dbSNP rs1321537618, ClinGen allele CA860970998.